The following is an entry in ClinVar:

ClinVar aggregate classification (germline): Uncertain significance (0 of 4 stars; one submission).

Conditions:
ARX-related disorder. Also called: ARX-Related Disorders; ARX-related condition. Identifiers: MedGen CN378769.

Submission:

PreventionGenetics, part of Exact Sciences
Classification: Uncertain significance for ARX-related condition. Last evaluated: 2023-12-01. Review status: no assertion criteria provided. Collection method: clinical testing. Allele origin: germline.
Comment: The ARX c.191T>C variant is predicted to result in the amino acid substitution p.Val64Ala. To our knowledge, this variant has not been reported in the literature or in a large population database, indicating this variant is rare. At this time, the clinical significance of this variant is uncertain due to the absence of conclusive functional and genetic evidence.

NM_139058.3(ARX):c.191T>C (p.Val64Ala)

Gene: ARX (aristaless related homeobox; minus strand). Cytogenetic location: Xp21.3.
Variant type: single nucleotide variant.
Coding change: c.191T>C on transcript NM_139058.3 (MANE Select); coding-DNA position 191, T replaced by C.
Protein change: p.Val64Ala; replaces valine 64 with alanine.
Molecular consequence: missense variant.
Genome position (GRCh38, 1-based): chrX:25,015,547, A>G on the plus strand (T>C on the coding strand, the complement: ARX is on the minus strand). VCF-style: chrX-25015547-A-G. GRCh37 (hg19) VCF-style: chrX-25033664-A-G.
Other names: short protein forms V64A.
Identifiers: ClinVar variation 3030868 (VCV003030868.2), dbSNP rs2519109098, ClinGen allele CA412613700.